The following is an entry in ClinVar:

ClinVar aggregate classification (germline): Benign/Likely benign. Review status: criteria provided, multiple submitters, no conflicts (2 of 4 stars). 3 submissions from 3 submitters: Benign (2); Likely benign (1). Last evaluated 2025-05-06.

Allele frequency attached by ClinVar (database versions not stated): gnomAD exomes 0.00010 and 0.00031; ExAC 0.00045; gnomAD 0.00143 and 0.00152; TOPMed 0.00166; ESP Exome Variant Server 0.00169; 1000 Genomes Project 0.00180; 1000 Genomes Project 30x 0.00187.
gnomAD v4.1: 373 of 1,614,166 alleles (0.023%); highest among the groups gnomAD compares: African/African-American, 0.45%; no homozygotes.

Submissions (3):

Labcorp Genetics (formerly Invitae), Labcorp
Classification: Benign. Last evaluated: 2025-05-06. Review status: criteria provided, single submitter. Criteria: Invitae Variant Classification Sherloc (09022015). Collection method: clinical testing. Allele origin: germline.

Mayo Clinic Laboratories, Mayo Clinic
Classification: Likely benign. Last evaluated: 2024-12-30. Review status: criteria provided, single submitter. Criteria: ACMG Guidelines, 2015. Collection method: clinical testing. Allele origin: germline. Observed: 1 variant allele.
Comment: BS1, BP4, BP7

Breakthrough Genomics
Classification: Benign. Review status: criteria provided, single submitter. Criteria: ACMG Guidelines, 2015. Collection method: not provided. Allele origin: germline. Inheritance: Autosomal dominant inheritance. Affected: yes.

NM_001256071.3(RNF213):c.9741C>T (p.His3247=)

Gene: RNF213 (ring finger protein 213; plus strand). Cytogenetic location: 17q25.3.
Variant type: single nucleotide variant.
Coding change: c.9741C>T on transcript NM_001256071.3 (MANE Select); coding-DNA position 9741, C replaced by T.
Protein change: p.His3247=; no amino-acid change (histidine 3247 retained).
Molecular consequence: synonymous variant.
Genome position (GRCh38, 1-based): chr17:80,348,076, C>T. VCF-style: chr17-80348076-C-T. GRCh37 (hg19) VCF-style: chr17-78321876-C-T.
Other names: p.His3247=.
Identifiers: ClinVar variation 737277 (VCV000737277.9), dbSNP rs115237033, ClinGen allele CA8821189.
Genomic context (GRCh38, chr17:80,348,076, plus strand): 5'-GTCTGTGGTGCTGCAGGTCATAGAGAGGCAGGGTCCCCGGGCCTTGACGGAGGAACTTCA[C>T]CAGAAGGTGTCTGAGGAGGCCAAATCGATCCTGCTGAACTGCGCTACGCCCGATGCCGTG-3'
Protein context (NP_001243000.2, residues 3237-3257): QGPRALTEEL[His3247=]QKVSEEAKSI